The following is an entry in ClinVar:

NM_001943.5(DSG2):c.1850T>C (p.Leu617Pro)

Gene: DSG2 (desmoglein 2; plus strand). Cytogenetic location: 18q12.1.
Variant type: single nucleotide variant.
Coding change: c.1850T>C on transcript NM_001943.5 (MANE Select); coding-DNA position 1850, T replaced by C.
Protein change: p.Leu617Pro; replaces leucine 617 with proline.
Molecular consequence: missense variant.
Genome position (GRCh38, 1-based): chr18:31,538,949, T>C. VCF-style: chr18-31538949-T-C. GRCh37 (hg19) VCF-style: chr18-29118912-T-C.
Other names: short protein forms L617P.
Identifiers: ClinVar variation 4756714 (VCV004756714.1).

ClinVar aggregate classification (germline): Uncertain significance (1 of 4 stars; one submission).

Conditions:
Cardiomyopathy (CMYO). Also called: Cardiomyopathies. Identifiers: Orphanet 167848, MedGen C0878544, MONDO:0004994, HP:0001638. Inheritance: Various modes of inheritance.

Submission:

Color Diagnostics, LLC DBA Color Health
Classification: Uncertain significance for Cardiomyopathy. Last evaluated: 2025-05-20. Review status: criteria provided, single submitter. Criteria: ACMG Guidelines, 2015. Collection method: clinical testing. Allele origin: germline.
Comment: This missense variant replaces leucine with proline at codon 617 of the DSG2 protein. Computational prediction suggests that this variant may not impact protein structure and function. To our knowledge, functional studies have not been reported for this variant. This variant has not been reported in individuals affected with DSG2-related disorders in the literature. This variant has not been identified in the general population by the Genome Aggregation Database (gnomAD). The available evidence is insufficient to determine the role of this variant in disease conclusively. Therefore, this variant is classified as a Variant of Uncertain Significance.